The following is an entry in ClinVar:

ClinVar aggregate classification (germline): Uncertain significance (1 of 4 stars; one submission).

Conditions:
Hereditary cancer-predisposing syndrome. Also called: Neoplastic Syndromes, Hereditary; Tumor predisposition; Hereditary neoplastic syndrome; Hereditary Cancer Syndrome. Identifiers: Orphanet 140162, MedGen C0027672, MeSH D009386, MONDO:0015356.
Cardiovascular phenotype. Identifiers: MedGen CN230736.

Submission:

Ambry Genetics
Classification: Uncertain significance for Cardiovascular phenotype; Hereditary cancer-predisposing syndrome. Last evaluated: 2019-07-15. Review status: criteria provided, single submitter. Criteria: Ambry Variant Classification Scheme 2023. Collection method: clinical testing. Allele origin: germline.
Comment: The c.7258+4A>G intronic variant results from an A to G substitution 4 nucleotides after coding exon 48 in the NF1 gene. This nucleotide position is well conserved in available vertebrate species. Using the BDGP and ESEfinder splice site prediction tools, this alteration is predicted to weaken the efficiency of the native splice donor site; however, direct evidence is unavailable. Since supporting evidence is limited at this time, the clinical significance of this alteration remains unclear.

NM_001042492.3(NF1):c.7321+4A>G

Gene: NF1 (neurofibromin 1; plus strand). Cytogenetic location: 17q11.2.
Variant type: single nucleotide variant.
Coding change: c.7321+4A>G on transcript NM_001042492.3 (MANE Select); 4 bases into the intron after coding-DNA position 7321, A replaced by G.
Molecular consequence: intron variant.
Genome position (GRCh38, 1-based): chr17:31,349,255, A>G. VCF-style: chr17-31349255-A-G. GRCh37 (hg19) VCF-style: chr17-29676273-A-G.
Other names: c.7258+4A>G (NM_000267.4).
Identifiers: ClinVar variation 826937 (VCV000826937.4), dbSNP rs1597858660, ClinGen allele CA915949839.